The following is an entry in ClinVar:

ClinVar aggregate classification (germline): Likely benign (1 of 4 stars; one submission).

Conditions:
SACS-related disorder. Also called: SACS-related condition.

gnomAD v4.1: 2 of 1,612,728 alleles (0.00012%); highest among the groups gnomAD compares: Non-Finnish European, 0.00017%; no homozygotes.

Submission:

PreventionGenetics, part of Exact Sciences
Classification: Likely benign for SACS-related condition. Last evaluated: 2026-07-30. Review status: criteria provided, single submitter. Criteria: ACMG Guidelines, 2015. Collection method: clinical testing. Allele origin: germline.
Comment: This variant is classified as likely benign based on ACMG/AMP sequence variant interpretation guidelines (Richards et al. 2015 PMID: 25741868, with internal and published modifications).

NM_014363.6(SACS):c.9453G>A (p.Glu3151=)

Gene: SACS (sacsin molecular chaperone; minus strand). Cytogenetic location: 13q12.12.
Variant type: single nucleotide variant.
Coding change: c.9453G>A on transcript NM_014363.6 (MANE Select); coding-DNA position 9453, G replaced by A.
Protein change: p.Glu3151=; no amino-acid change (glutamic acid 3151 retained).
Molecular consequence: synonymous variant.
Genome position (GRCh38, 1-based): chr13:23,334,423, C>T on the plus strand (G>A on the coding strand, the complement: SACS is on the minus strand). VCF-style: chr13-23334423-C-T. GRCh37 (hg19) VCF-style: chr13-23908562-C-T.
Other names: c.9012G>A, p.Glu3004= (NM_001278055.2); c.9480G>A, p.Glu3160= (NM_001437336.1).
Identifiers: ClinVar variation 4991859 (VCV004991859.1).